The following is an entry in ClinVar:

ClinVar aggregate classification (germline): Uncertain significance (1 of 4 stars; one submission).

Conditions:
Mendelian susceptibility to mycobacterial diseases due to complete IL12RB1 deficiency. Also called: IL12RB1 DEFICIENCY; Immunodeficiency 30. Identifiers: Orphanet 319552, MedGen C4013949, MONDO:0013955, OMIM 614891.

Submission:

Labcorp Genetics (formerly Invitae), Labcorp
Classification: Uncertain significance for Mendelian susceptibility to mycobacterial diseases due to complete IL12RB1 deficiency. Last evaluated: 2018-10-07. Review status: criteria provided, single submitter. Criteria: Invitae Variant Classification Sherloc (09022015). Collection method: clinical testing. Allele origin: germline.
Comment: This sequence change falls in intron 1 of the IL12RB1 gene. It does not directly change the encoded amino acid sequence of the IL12RB1 protein, but it affects a nucleotide within the consensus splice site of the intron. This variant is not present in population databases (ExAC no frequency). This variant has not been reported in the literature in individuals with IL12RB1-related disease. Nucleotide substitutions within the consensus splice site are a relatively common cause of aberrant splicing (PMID: 17576681, 9536098). Algorithms developed to predict the effect of sequence changes on RNA splicing suggest that this variant may disrupt the consensus splice site, but this prediction has not been confirmed by published transcriptional studies. In summary, the available evidence is currently insufficient to determine the role of this variant in disease. Therefore, it has been classified as a Variant of Uncertain Significance.

Literature cited by the submitters: PubMed 17576681; PubMed 9536098.

NM_005535.3(IL12RB1):c.65-3C>T

Gene: IL12RB1 (interleukin 12 receptor subunit beta 1; minus strand). Cytogenetic location: 19p13.11.
Variant type: single nucleotide variant.
Coding change: c.65-3C>T on transcript NM_005535.3 (MANE Select); 3 bases into the intron before coding-DNA position 65, C replaced by T.
Molecular consequence: intron variant.
Genome position (GRCh38, 1-based): chr19:18,083,494, G>A on the plus strand (C>T on the coding strand, the complement: IL12RB1 is on the minus strand). VCF-style: chr19-18083494-G-A. GRCh37 (hg19) VCF-style: chr19-18194304-G-A.
Other names: c.185-3C>T (NM_001290024.2, NM_001440427.1, NM_001440426.1); c.65-3C>T (NM_001290023.2, NM_001440425.1, NM_001440424.1 and 1 more transcripts).
Identifiers: ClinVar variation 640090 (VCV000640090.8), dbSNP rs1599561351, ClinGen allele CA915952976.